The following is an entry in ClinVar:

ClinVar aggregate classification (germline): Benign/Likely benign. Review status: criteria provided, multiple submitters, no conflicts (2 of 4 stars). 4 submissions from 4 submitters: Benign (1); Likely benign (2). 1 of the submissions does not count toward it. Last evaluated 2026-01-26.

Conditions:
STAT1-related disorder. Also called: STAT1-related condition.
Immunodeficiency 31B. Also called: IMMUNODEFICIENCY 31B, MYCOBACTERIAL AND VIRAL INFECTIONS, AUTOSOMAL RECESSIVE; STAT1 DEFICIENCY, AUTOSOMAL RECESSIVE. Identifiers: Orphanet 391311, MedGen C3151088, MONDO:0013427, OMIM 613796.
Autoimmune enteropathy and endocrinopathy - susceptibility to chronic infections syndrome. Also called: Immunodeficiency 31C; Immunodeficiency 31C, autosomal dominant. Identifiers: Orphanet 391487, MedGen C3279990, MONDO:0013599, OMIM 614162.
Mendelian susceptibility to mycobacterial diseases due to partial STAT1 deficiency. Also called: IMMUNODEFICIENCY 31A, MYCOBACTERIOSIS, AUTOSOMAL DOMINANT; STAT1 DEFICIENCY, AUTOSOMAL DOMINANT; Immunodeficiency 31a. Identifiers: Orphanet 319595, MedGen C4013950, MONDO:0013956, OMIM 614892.

Submissions (4):

Labcorp Genetics (formerly Invitae), Labcorp
Classification: Benign for Mendelian susceptibility to mycobacterial diseases due to partial STAT1 deficiency; Immunodeficiency 31B; Autoimmune enteropathy and endocrinopathy - susceptibility to chronic infections syndrome. Last evaluated: 2026-01-26. Review status: criteria provided, single submitter. Criteria: Invitae Variant Classification Sherloc (09022015). Collection method: clinical testing. Allele origin: germline.

Mayo Clinic Laboratories, Mayo Clinic
Classification: Likely benign. Last evaluated: 2025-04-25. Review status: criteria provided, single submitter. Criteria: ACMG Guidelines, 2015. Collection method: clinical testing. Allele origin: germline. Observed: 2 variant alleles.
Comment: BS1, BP4, BP7

Blueprint Genetics
Classification: Likely benign. Last evaluated: 2024-08-28. Review status: criteria provided, single submitter. Criteria: ACMG Guidelines, 2015. Collection method: clinical testing. Allele origin: germline.

PreventionGenetics, part of Exact Sciences
Classification: Likely benign for STAT1-related condition. Last evaluated: 2019-07-02. Review status: no assertion criteria provided. Collection method: clinical testing. Allele origin: germline. Not counted in ClinVar's aggregate classification.
Comment: This variant is classified as likely benign based on ACMG/AMP sequence variant interpretation guidelines (Richards et al. 2015 PMID: 25741868, with internal and published modifications).

NM_007315.4(STAT1):c.1098-5dup

Gene: STAT1 (signal transducer and activator of transcription 1; minus strand). Cytogenetic location: 2q32.2.
Variant type: Duplication.
Coding change: c.1098-5dup on transcript NM_007315.4 (MANE Select); 5 bases into the intron before coding-DNA position 1098, one base duplicated (T; older notation c.1098-5dupT).
Molecular consequence: intron variant.
Genome position (GRCh38, 1-based): chr2:190,987,073, A duplicated on the plus strand (T on the coding strand, the reverse complement: STAT1 is on the minus strand); the first of 8 consecutive A bases (chr2:190,987,073-190,987,080); duplicating any one gives the same sequence. VCF-style (leftmost placement, unchanged base first): chr2-190987072-C-CA. GRCh37 (hg19) VCF-style: chr2-191851798-C-CA.
Other names: p.?; c.1008-5dup (NM_001384890.1); c.999-5dup (NM_001384883.1); c.939-5dup (NM_001384885.1); c.1005-5dup (NM_001384887.1); c.1038-5dup (NM_001384880.1); c.1098-126dup (NM_001384888.1); c.1098-5dup (NM_001384882.1, NM_001384889.1, NM_001384886.1 and 1 more transcripts); and 3 more.
Identifiers: ClinVar variation 541831 (VCV000541831.15), dbSNP rs200288904, ClinGen allele CA2030046.
Genomic context (GRCh38, chr2:190,987,072, plus strand): 5'-CAGTATAGCGTAAAGTACGTCACGTACCCTTTTACTGTATTTCTCTCATTCACATCTCTG[C>CA]AAAAAAAATATATATAATCACATATGCGTATTTAAAATTTGAAATAAGCTTTAACAAAAT-3'